The following is an entry in ClinVar:

ClinVar aggregate classification (germline): Likely benign (0 of 4 stars; one submission).

Conditions:
PLXNA4-related disorder. Also called: PLXNA4-related condition.

gnomAD v4.1: 4 of 1,614,062 alleles (0.00025%); highest among the groups gnomAD compares: Non-Finnish European, 0.00034%; no homozygotes.

Submission:

PreventionGenetics, part of Exact Sciences
Classification: Likely benign for PLXNA4-related condition. Last evaluated: 2021-08-28. Review status: no assertion criteria provided. Collection method: clinical testing. Allele origin: germline.
Comment: This variant is classified as likely benign based on ACMG/AMP sequence variant interpretation guidelines (Richards et al. 2015 PMID: 25741868, with internal and published modifications).

NM_020911.2(PLXNA4):c.1443C>T (p.Val481=)

Gene: PLXNA4 (plexin A4; minus strand). Cytogenetic location: 7q32.3.
Variant type: single nucleotide variant.
Coding change: c.1443C>T on transcript NM_020911.2 (MANE Select); coding-DNA position 1443, C replaced by T.
Protein change: p.Val481=; no amino-acid change (valine 481 retained).
Molecular consequence: synonymous variant.
Genome position (GRCh38, 1-based): chr7:132,298,151, G>A on the plus strand (C>T on the coding strand, the complement: PLXNA4 is on the minus strand). VCF-style: chr7-132298151-G-A. GRCh37 (hg19) VCF-style: chr7-131982910-G-A.
Other names: c.1443C>T, p.Val481= (NM_001393897.1).
Identifiers: ClinVar variation 3352365 (VCV003352365.1).